The following is an entry in ClinVar:

NM_001046.3(SLC12A2):c.924G>C (p.Leu308Phe)

Gene: SLC12A2 (solute carrier family 12 member 2; plus strand). Cytogenetic location: 5q23.3.
Variant type: single nucleotide variant.
Coding change: c.924G>C on transcript NM_001046.3 (MANE Select); coding-DNA position 924, G replaced by C.
Protein change: p.Leu308Phe; replaces leucine 308 with phenylalanine.
Molecular consequence: missense variant. On other transcripts: non-coding transcript variant (1).
Genome position (GRCh38, 1-based): chr5:128,114,259, G>C. VCF-style: chr5-128114259-G-C. GRCh37 (hg19) VCF-style: chr5-127449951-G-C.
Other names: c.924G>C, p.Leu308Phe (NM_001256461.2); short protein forms L308F.
Identifiers: ClinVar variation 4741087 (VCV004741087.1).

ClinVar aggregate classification (germline): Uncertain significance (1 of 4 stars; one submission).

gnomAD v4.1: 1 of 1,613,482 alleles (0.000062%); highest among the groups gnomAD compares: South Asian, 0.0011%; no homozygotes.

Submission:

Labcorp Genetics (formerly Invitae), Labcorp
Classification: Uncertain significance. Last evaluated: 2025-09-15. Review status: criteria provided, single submitter. Criteria: Invitae Variant Classification Sherloc (09022015). Collection method: clinical testing. Allele origin: germline.
Comment: This sequence change replaces leucine, which is neutral and non-polar, with phenylalanine, which is neutral and non-polar, at codon 308 of the SLC12A2 protein (p.Leu308Phe). This variant is not present in population databases (gnomAD no frequency). This variant has not been reported in the literature in individuals affected with SLC12A2-related conditions. Invitae Evidence Modeling of protein sequence and biophysical properties (such as structural, functional, and spatial information, amino acid conservation, physicochemical variation, residue mobility, and thermodynamic stability) indicates that this missense variant is expected to disrupt SLC12A2 protein function with a positive predictive value of 80%. In summary, the available evidence is currently insufficient to determine the role of this variant in disease. Therefore, it has been classified as a Variant of Uncertain Significance.